The following is an entry in ClinVar:

NM_145239.3(PRRT2):c.164C>T (p.Thr55Ile)

Genes: MVP-DT (MVP divergent transcript; minus strand), PRRT2 (proline rich transmembrane protein 2; plus strand). Cytogenetic location: 16p11.2.
Variant type: single nucleotide variant.
Coding change: c.164C>T on transcript NM_145239.3 (MANE Select); coding-DNA position 164, C replaced by T.
Protein change: p.Thr55Ile; replaces threonine 55 with isoleucine.
Molecular consequence: missense variant.
Genome position (GRCh38, 1-based): chr16:29,813,218, C>T. VCF-style: chr16-29813218-C-T. GRCh37 (hg19) VCF-style: chr16-29824539-C-T.
Other names: c.164C>T, p.Thr55Ile (NM_001256442.2, NM_001256443.2, NM_001438120.1 and 2 more transcripts); short protein forms T55I.
Identifiers: ClinVar variation 4802977 (VCV004802977.1).
Genomic context (GRCh38, chr16:29,813,218, plus strand): 5'-CCCAGGTCCTAGCAGGGGTACCAGACCAGCCAGAGGCCCCGCAGCCAGGTCCAAACACCA[C>T]TGCGGCCCCTGTGGACTCAGGGCCCAAGGCTGGGCTGGCTCCAGAAACCACAGAGACCCC-3'
Protein context (NP_660282.2, residues 45-65): PEAPQPGPNT[Thr55Ile]AAPVDSGPKA

ClinVar aggregate classification (germline): Uncertain significance (1 of 4 stars; one submission).

Conditions:
Episodic kinesigenic dyskinesia (EKD). Also called: Paroxysmal kinesigenic dyskinesia. Identifiers: Orphanet 98809, MedGen C1868682, MONDO:0044202.

Submission:

Labcorp Genetics (formerly Invitae), Labcorp
Classification: Uncertain significance for Episodic kinesigenic dyskinesia. Last evaluated: 2025-04-08. Review status: criteria provided, single submitter. Criteria: Invitae Variant Classification Sherloc (09022015). Collection method: clinical testing. Allele origin: germline.
Comment: This sequence change replaces threonine, which is neutral and polar, with isoleucine, which is neutral and non-polar, at codon 55 of the PRRT2 protein (p.Thr55Ile). This variant is not present in population databases (gnomAD no frequency). This variant has not been reported in the literature in individuals affected with PRRT2-related conditions. Invitae Evidence Modeling of protein sequence and biophysical properties (such as structural, functional, and spatial information, amino acid conservation, physicochemical variation, residue mobility, and thermodynamic stability) indicates that this missense variant is not expected to disrupt PRRT2 protein function with a negative predictive value of 95%. In summary, the available evidence is currently insufficient to determine the role of this variant in disease. Therefore, it has been classified as a Variant of Uncertain Significance.